The following is an entry in ClinVar:

ClinVar aggregate classification (germline): Benign/Likely benign. Review status: criteria provided, multiple submitters, no conflicts (2 of 4 stars). 3 submissions from 3 submitters: Benign (1); Likely benign (1). 1 of the submissions does not count toward it. Last evaluated 2025-12-30.

Conditions:
KMT2D-related disorder. Also called: KMT2D-Related Disorders.
Kabuki syndrome. Also called: Kabuki make-up syndrome; NIIKAWA-KUROKI SYNDROME. Identifiers: MedGen C0796004, MONDO:0016512, Orphanet 2322.

Allele frequency attached by ClinVar (database versions not stated): gnomAD 0.00001 and 0.00003; TOPMed 0.00002; gnomAD exomes 0.00009 and 0.00019; 1000 Genomes Project 30x 0.00016; 1000 Genomes Project 0.00020; ExAC 0.00022.
gnomAD v4.1: 150 of 1,613,910 alleles (0.0093%); highest among the groups gnomAD compares: South Asian, 0.14%; 3 homozygotes.

Submissions (3):

Labcorp Genetics (formerly Invitae), Labcorp
Classification: Benign for Kabuki syndrome. Last evaluated: 2025-12-30. Review status: criteria provided, single submitter. Criteria: Invitae Variant Classification Sherloc (09022015). Collection method: clinical testing. Allele origin: germline.

Blueprint Genetics
Classification: Likely benign. Last evaluated: 2023-09-28. Review status: criteria provided, single submitter. Criteria: ACMG Guidelines, 2015. Collection method: clinical testing. Allele origin: germline.

PreventionGenetics, part of Exact Sciences
Classification: Likely benign for KMT2D-related condition. Last evaluated: 2023-03-15. Review status: no assertion criteria provided. Collection method: clinical testing. Allele origin: germline. Not counted in ClinVar's aggregate classification.
Comment: This variant is classified as likely benign based on ACMG/AMP sequence variant interpretation guidelines (Richards et al. 2015 PMID: 25741868, with internal and published modifications).

NM_003482.4(KMT2D):c.3790C>T (p.Leu1264=)

Genes: KMT2D (lysine methyltransferase 2D; minus strand), LOC126861520 (CDK7 strongly-dependent group 2 enhancer GRCh37_chr12:49442744-49443943; plus strand). Cytogenetic location: 12q13.12.
Variant type: single nucleotide variant.
Coding change: c.3790C>T on transcript NM_003482.4 (MANE Select); coding-DNA position 3790, C replaced by T.
Protein change: p.Leu1264=; no amino-acid change (leucine 1264 retained).
Molecular consequence: synonymous variant.
Genome position (GRCh38, 1-based): chr12:49,049,798, G>A on the plus strand (C>T on the coding strand, the complement: KMT2D is on the minus strand). VCF-style: chr12-49049798-G-A. GRCh37 (hg19) VCF-style: chr12-49443581-G-A.
Other names: c.3790C>T (NM_003482.3).
Identifiers: ClinVar variation 1533301 (VCV001533301.11), dbSNP rs565879146, ClinGen allele CA6547990.